The following is an entry in ClinVar:

NM_024675.4(PALB2):c.212-58A>C

Gene: PALB2 (partner and localizer of BRCA2; minus strand). Cytogenetic location: 16p12.2.
Variant type: single nucleotide variant.
Coding change: c.212-58A>C on transcript NM_024675.4 (MANE Select); 58 bases into the intron before coding-DNA position 212, A replaced by C.
Molecular consequence: intron variant.
Genome position (GRCh38, 1-based): chr16:23,636,392, T>G on the plus strand (A>C on the coding strand, the complement: PALB2 is on the minus strand). VCF-style: chr16-23636392-T-G. GRCh37 (hg19) VCF-style: chr16-23647713-T-G.
Identifiers: ClinVar variation 126635 (VCV000126635.8), dbSNP rs80291632, ClinGen allele CA269520.

ClinVar aggregate classification (germline): Benign/Likely benign. Review status: criteria provided, multiple submitters, no conflicts (2 of 4 stars). 8 submissions from 8 submitters: Benign (2); Likely benign (3). 3 of the submissions do not count toward it. Last evaluated 2023-07-07.

Conditions:
Breast-ovarian cancer, familial, susceptibility to, 5 (BROVCA5). Identifiers: MedGen C5830615, MONDO:0957530, OMIM 620442.
Hereditary cancer-predisposing syndrome. Also called: Hereditary Cancer Syndrome; Hereditary neoplastic syndrome; Tumor predisposition; Neoplastic Syndromes, Hereditary. Identifiers: Orphanet 140162, MedGen C0027672, MeSH D009386, MONDO:0015356.
Hereditary breast ovarian cancer syndrome. Also called: BRCA1- and BRCA2-Associated Hereditary Breast and Ovarian Cancer; Hereditary breast and ovarian cancer; Hereditary breast and/or ovarian cancer syndrome; Hereditary breast and ovarian cancer syndrome; Hereditary breast and ovarian cancer syndrome (HBOC); Breast and ovarian cancer. Identifiers: Orphanet 145, MedGen C0677776, MeSH D061325, MONDO:0003582. Disease mechanism: loss of function.
Familial cancer of breast. Also called: BREAST CANCER, FAMILIAL; hereditary breast carcinoma; Hereditary breast cancer. Identifiers: Orphanet 227535, MedGen C0346153, MONDO:0016419, OMIM 114480. Disease mechanism: loss of function.

Allele frequency attached by ClinVar (database versions not stated): 1000 Genomes Project 0.01418; 1000 Genomes Project 30x 0.01421; gnomAD 0.02118 and 0.02171; TOPMed 0.02236; gnomAD exomes 0.02890.
gnomAD v4.1: 33,059 of 1,180,030 alleles (2.8%); highest among the groups gnomAD compares: Middle Eastern, 5.3%; 553 homozygotes.

Submissions (8):

KCCC/NGS Laboratory, Kuwait Cancer Control Center
Classification: Benign for Breast-ovarian cancer, familial, susceptibility to, 5. Last evaluated: 2023-07-07. Review status: criteria provided, single submitter. Criteria: ACMG Guidelines, 2015. Collection method: clinical testing. Allele origin: germline. Affected: yes.

National Health Laboratory Service, Universitas Academic Hospital and University of the Free State
Classification: Likely benign for Hereditary breast ovarian cancer syndrome. Last evaluated: 2022-04-19. Review status: criteria provided, single submitter. Criteria: ACMG Guidelines, 2015. Collection method: clinical testing. Allele origin: germline. Affected: yes. Observed: 1 variant allele.

GeneDx
Classification: Likely benign. Last evaluated: 2018-06-15. Review status: criteria provided, single submitter. Criteria: GeneDx Variant Classification (06012015). Collection method: clinical testing. Allele origin: germline. Affected: yes.
Comment: This variant is considered likely benign or benign based on one or more of the following criteria: it is a conservative change, it occurs at a poorly conserved position in the protein, it is predicted to be benign by multiple in silico algorithms, and/or has population frequency not consistent with disease.

Vantari Genetics
Classification: Benign for Hereditary cancer-predisposing syndrome. Last evaluated: 2015-10-26. Review status: criteria provided, single submitter. Criteria: ACMG Guidelines, 2015. Collection method: clinical testing. Allele origin: germline.

Breakthrough Genomics
Classification: Likely benign. Review status: criteria provided, single submitter. Criteria: ACMG Guidelines, 2015. Collection method: not provided. Allele origin: germline. Inheritance: Autosomal dominant inheritance. Affected: yes.

Leiden Open Variation Database
Classification: Benign for Familial cancer of breast. Last evaluated: 2019-05-13. Review status: no assertion criteria provided. Collection method: curation. Allele origin: germline. Affected: yes. Not counted in ClinVar's aggregate classification.
Comment: Curators: Marc Tischkowitz, Arleen D. Auerbach. Submitter to LOVD: Marc Tischkowitz.

Clinical Genetics Laboratory, Department of Pathology, Netherlands Cancer Institute
Classification: Benign. Review status: no assertion criteria provided. Collection method: clinical testing. Allele origin: germline. Affected: yes. Study: VKGL Data-share Consensus. Not counted in ClinVar's aggregate classification.

Joint Genome Diagnostic Labs from Nijmegen and Maastricht, Radboudumc and MUMC+
Classification: Benign. Review status: no assertion criteria provided. Collection method: clinical testing. Allele origin: germline. Affected: yes. Study: VKGL Data-share Consensus. Not counted in ClinVar's aggregate classification.

Literature cited by the submitters: PubMed 18302019 (cited by Leiden Open Variation Database); PubMed 19333784 (cited by Leiden Open Variation Database); PubMed 19763884 (cited by Leiden Open Variation Database); PubMed 20122277 (cited by Leiden Open Variation Database); PubMed 20852946 (cited by Leiden Open Variation Database); PubMed 20927582 (cited by Leiden Open Variation Database); PubMed 22052327 (cited by Leiden Open Variation Database); PubMed 22310028 (cited by Leiden Open Variation Database); PubMed 22692731 (cited by Leiden Open Variation Database); PubMed 23448497 (cited by Leiden Open Variation Database); PubMed 23824750 (cited by Leiden Open Variation Database); PubMed 23935836 (cited by Leiden Open Variation Database); PubMed 24556926 (cited by Leiden Open Variation Database).